The following is an entry in ClinVar:

NM_018896.5(CACNA1G):c.3698G>A (p.Gly1233Glu)

Gene: CACNA1G (calcium voltage-gated channel subunit alpha1 G; plus strand). Cytogenetic location: 17q21.33.
Variant type: single nucleotide variant.
Coding change: c.3698G>A on transcript NM_018896.5 (MANE Select); coding-DNA position 3698, G replaced by A.
Protein change: p.Gly1233Glu; replaces glycine 1233 with glutamic acid.
Molecular consequence: missense variant. On other transcripts: non-coding transcript variant (5).
Genome position (GRCh38, 1-based): chr17:50,600,733, G>A. VCF-style: chr17-50600733-G-A. GRCh37 (hg19) VCF-style: chr17-48678094-G-A.
Other names: c.3698G>A, p.Gly1233Glu (NM_001256324.2, NM_001256325.2, NM_001256326.2 and 16 more transcripts); c.3629G>A, p.Gly1210Glu (NM_001256332.2, NM_198376.3, NM_198379.3 and 5 more transcripts); short protein forms G1210E, G1233E.
Identifiers: ClinVar variation 3361516 (VCV003361516.1).

ClinVar aggregate classification (germline): Uncertain significance (1 of 4 stars; one submission).

Submission:

GeneDx
Classification: Uncertain significance. Last evaluated: 2023-08-04. Review status: criteria provided, single submitter. Criteria: GeneDx Variant Classification Process June 2021. Collection method: clinical testing. Allele origin: germline. Affected: yes.
Comment: Not observed at significant frequency in large population cohorts (gnomAD); In silico analysis supports that this missense variant does not alter protein structure/function; Has not been previously published as pathogenic or benign to our knowledge